The following is an entry in ClinVar:

ClinVar aggregate classification (germline): Pathogenic. Review status: criteria provided, multiple submitters, no conflicts (2 of 4 stars). 6 submissions from 6 submitters: Pathogenic (5). 1 of the submissions does not count toward it. Last evaluated 2025-08-18.

Conditions:
Mosaic variegated aneuploidy syndrome 2 (MVA2). Identifiers: Orphanet 1052, MedGen C3279843, MONDO:0013582, OMIM 614114.
Mosaic variegated aneuploidy syndrome 1 (MVA1). Also called: Warburton-Anyane-Yeboa syndrome. Identifiers: Orphanet 1052, MedGen C1850343, MONDO:0009759, OMIM 257300.

Submissions (6):

Variantyx, Inc.
Classification: Pathogenic for Mosaic variegated aneuploidy syndrome 2. Last evaluated: 2025-08-18. Review status: criteria provided, single submitter. Criteria: Variantyx Assertion Criteria 2022. Collection method: clinical testing. Allele origin: germline. Inheritance: Autosomal recessive inheritance. Affected: no.
Comment: This is a frameshift variant in the CEP57 gene (OMIM: 607951). Pathogenic variants in this gene have been associated with autosomal recessive mosaic variegated aneuploidy syndrome 2. This variant introduces a premature termination codon in exon 9 out of 11 and is expected to result in loss of function, which is a known disease mechanism for CEP57 in this disorder (PMID: 21552266, 24259107) (PVS1). This variant has been identified in the homozygous or compound heterozygous state in at least 5 individuals reported in the published literature (PMID: 21552266, 30010053, 31943948, 32861809) (PM3_Strong). This variant has a 0.0317% maximum allele frequency in non-founder control populations (PM2). Based on the current evidence, this variant is classified as pathogenic for autosomal recessive mosaic variegated aneuploidy syndrome 2.

GeneDx
Classification: Pathogenic. Last evaluated: 2024-09-09. Review status: criteria provided, single submitter. Criteria: GeneDx Variant Classification Process June 2021. Collection method: clinical testing. Allele origin: germline. Affected: yes.
Comment: Frameshift variant predicted to result in protein truncation or nonsense mediated decay in a gene for which loss of function is a known mechanism of disease; This variant is associated with the following publications: (PMID: 31589614, 34500087, 31263571, 12116237, Dery2017[abstract], 21552266, 31943948, 32861809, 30010053)

Labcorp Genetics (formerly Invitae), Labcorp
Classification: Pathogenic for Mosaic variegated aneuploidy syndrome 2. Last evaluated: 2024-05-29. Review status: criteria provided, single submitter. Criteria: Invitae Variant Classification Sherloc (09022015). Collection method: clinical testing. Allele origin: germline.
Comment: This sequence change creates a premature translational stop signal (p.Leu309Profs*9) in the CEP57 gene. It is expected to result in an absent or disrupted protein product. Loss-of-function variants in CEP57 are known to be pathogenic (PMID: 21552266, 24259107). The frequency data for this variant in the population databases is considered unreliable, as metrics indicate poor data quality at this position in the gnomAD database. This premature translational stop signal has been observed in individual(s) with mosaic variegated aneuploidy syndrome (PMID: 21552266, 30010053). In at least one individual the data is consistent with being in trans (on the opposite chromosome) from a pathogenic variant. It has also been observed to segregate with disease in related individuals. ClinVar contains an entry for this variant (Variation ID: 30691). For these reasons, this variant has been classified as Pathogenic.

Centre of Medical Genetics, University of Antwerp
Classification: Pathogenic for Mosaic variegated aneuploidy syndrome 2. Last evaluated: 2019-12-16. Review status: criteria provided, single submitter. Criteria: ACMG Guidelines, 2015. Collection method: research. Allele origin: de novo. Affected: yes.

Laboratorio de Inmunogenómica y enfermedades metabólicas, Instituto Nacional de Medicina Genómica, Instituto Nacional de Medicina Genómica
Classification: Pathogenic for Mosaic variegated aneuploidy syndrome 1. Last evaluated: 2018-03-05. Review status: criteria provided, single submitter. Criteria: Submitter's publication. Collection method: clinical testing. Allele origin: inherited. Inheritance: Autosomal recessive inheritance. Affected: yes. Observed: 1 variant allele, 1 homozygote.

OMIM
Classification: Pathogenic for MOSAIC VARIEGATED ANEUPLOIDY SYNDROME 2. Last evaluated: 2014-01-01. Review status: no assertion criteria provided. Collection method: literature only. Allele origin: germline. Not counted in ClinVar's aggregate classification.

Literature cited by the submitters: PubMed 21552266 (cited by 3 submitters); PubMed 24259107 (cited by 3 submitters); PubMed 30010053 (cited by Variantyx, Inc. and Labcorp Genetics (formerly Invitae), Labcorp); PubMed 31943948 (cited by Variantyx, Inc.); PubMed 32861809 (cited by Variantyx, Inc.); PubMed 12116237 (cited by OMIM); PubMed 38857398 (cited by OMIM).

NM_014679.5(CEP57):c.915_925dup (p.Leu309fs)

Gene: CEP57 (centrosomal protein 57; plus strand). Cytogenetic location: 11q21.
Variant type: Duplication.
Coding change: c.915_925dup on transcript NM_014679.5 (MANE Select); coding-DNA positions 915 to 925, 11 bases duplicated (CAATGTTCAGC).
Protein change: p.Leu309fs; shifts the reading frame from leucine 309.
Molecular consequence: frameshift variant.
Genome position (GRCh38, 1-based): chr11:95,827,815-95,827,825, CAATGTTCAGC duplicated; duplicating any 11 consecutive bases within chr11:95,827,812-95,827,825 gives the same sequence; the c. name uses the placement nearest the transcript's 3' end. VCF-style (leftmost placement, unchanged base first): chr11-95827811-T-TAGCCAATGTTC. GRCh37 (hg19) VCF-style: chr11-95560975-T-TAGCCAATGTTC.
Other names: c.915_925dup11 (NM_014679.5); c.888_898dup, p.Leu300fs (NM_001243776.2); c.837_847dup, p.Leu283fs (NM_001243777.2); c.834_844dup, p.Leu282fs (NM_001363604.2); short protein forms L282fs, L283fs, L309fs, L300fs.
Identifiers: ClinVar variation 30691 (VCV000030691.11), dbSNP rs1166323407, ClinGen allele CA129399.